The following is an entry in ClinVar:

ClinVar aggregate classification (germline): Uncertain significance (1 of 4 stars; one submission).

Conditions:
Charcot-Marie-Tooth disease type 4. Also called: Charcot-Marie-Tooth, Type 4; Charcot-Marie-Tooth disease, type IV. Identifiers: Orphanet 64749, MedGen C4082197, MONDO:0018995.

Allele frequency attached by ClinVar (database versions not stated): gnomAD exomes 0.00001.
gnomAD v4.1: 15 of 1,609,672 alleles (0.00093%); highest among the groups gnomAD compares: East Asian, 0.0045%; no homozygotes.

Submission:

Labcorp Genetics (formerly Invitae), Labcorp
Classification: Uncertain significance for Charcot-Marie-Tooth disease type 4. Last evaluated: 2023-12-31. Review status: criteria provided, single submitter. Criteria: Invitae Variant Classification Sherloc (09022015). Collection method: clinical testing. Allele origin: germline.
Comment: This sequence change replaces tyrosine, which is neutral and polar, with cysteine, which is neutral and slightly polar, at codon 642 of the SBF2 protein (p.Tyr642Cys). This variant is present in population databases (no rsID available, gnomAD 0.006%). This variant has not been reported in the literature in individuals affected with SBF2-related conditions. ClinVar contains an entry for this variant (Variation ID: 2114853). An algorithm developed to predict the effect of missense changes on protein structure and function (PolyPhen-2) suggests that this variant¬†is likely to be tolerated. In summary, the available evidence is currently insufficient to determine the role of this variant in disease. Therefore, it has been classified as a Variant of Uncertain Significance.

NM_030962.4(SBF2):c.1925A>G (p.Tyr642Cys)

Genes: SBF2 (SET binding factor 2; minus strand), LOC101928008 (uncharacterized LOC101928008; plus strand). Cytogenetic location: 11p15.4.
Variant type: single nucleotide variant.
Coding change: c.1925A>G on transcript NM_030962.4 (MANE Select); coding-DNA position 1925, A replaced by G.
Protein change: p.Tyr642Cys; replaces tyrosine 642 with cysteine.
Molecular consequence: missense variant.
Genome position (GRCh38, 1-based): chr11:9,895,947, T>C on the plus strand (A>G on the coding strand, the complement: SBF2 is on the minus strand). VCF-style: chr11-9895947-T-C. GRCh37 (hg19) VCF-style: chr11-9917494-T-C.
Other names: c.1925A>G, p.Tyr642Cys (NM_001386339.1); c.1796A>G, p.Tyr599Cys (NM_001386342.1); short protein forms Y599C, Y642C.
Identifiers: ClinVar variation 2114853 (VCV002114853.2), dbSNP rs1204739991, ClinGen allele CA379646225.